The following is an entry in ClinVar:

ClinVar aggregate classification (germline): Uncertain significance. Review status: criteria provided, multiple submitters, no conflicts (2 of 4 stars). 3 submissions from 3 submitters: Uncertain significance (3). Last evaluated 2025-05-14.

Conditions:
Cardiovascular phenotype. Identifiers: MedGen CN230736.
Progressive familial heart block type IB (PFHB1B). Identifiers: Orphanet 871, MedGen C1970298, MONDO:0011474, OMIM 604559.

Allele frequency attached by ClinVar (database versions not stated): TOPMed 0.00001; gnomAD 0.00003; 1000 Genomes Project 30x 0.00016; 1000 Genomes Project 0.00020; gnomAD exomes 0.00006; ExAC 0.00007.
gnomAD v4.1: 89 of 1,614,086 alleles (0.0055%); highest among the groups gnomAD compares: East Asian, 0.19%; no homozygotes.

Submissions (3):

Ambry Genetics
Classification: Uncertain significance for Cardiovascular phenotype. Last evaluated: 2025-05-14. Review status: criteria provided, single submitter. Criteria: Ambry Variant Classification Scheme 2023. Collection method: clinical testing. Allele origin: germline.
Comment: The p.I897V variant (also known as c.2689A>G), located in coding exon 18 of the TRPM4 gene, results from an A to G substitution at nucleotide position 2689. The isoleucine at codon 897 is replaced by valine, an amino acid with highly similar properties. This amino acid position is poorly conserved in available vertebrate species. In addition, this alteration is predicted to be tolerated by in silico analysis. Since supporting evidence is limited at this time, the clinical significance of this alteration remains unclear.

Labcorp Genetics (formerly Invitae), Labcorp
Classification: Uncertain significance for Progressive familial heart block type IB. Last evaluated: 2025-02-20. Review status: criteria provided, single submitter. Criteria: Invitae Variant Classification Sherloc (09022015). Collection method: clinical testing. Allele origin: germline.
Comment: This sequence change replaces isoleucine, which is neutral and non-polar, with valine, which is neutral and non-polar, at codon 897 of the TRPM4 protein (p.Ile897Val). This variant is present in population databases (rs201172677, gnomAD 0.06%). This variant has not been reported in the literature in individuals affected with TRPM4-related conditions. ClinVar contains an entry for this variant (Variation ID: 1794760). An algorithm developed to predict the effect of missense changes on protein structure and function (PolyPhen-2) suggests that this variant is likely to be tolerated. In summary, the available evidence is currently insufficient to determine the role of this variant in disease. Therefore, it has been classified as a Variant of Uncertain Significance.

GeneDx
Classification: Uncertain significance. Last evaluated: 2023-12-20. Review status: criteria provided, single submitter. Criteria: GeneDx Variant Classification Process June 2021. Collection method: clinical testing. Allele origin: germline. Affected: yes.
Comment: In silico analysis supports that this missense variant does not alter protein structure/function; Has not been previously published as pathogenic or benign to our knowledge

NM_017636.4(TRPM4):c.2689A>G (p.Ile897Val)

Gene: TRPM4 (transient receptor potential cation channel subfamily M member 4; plus strand). Cytogenetic location: 19q13.33.
Variant type: single nucleotide variant.
Coding change: c.2689A>G on transcript NM_017636.4 (MANE Select); coding-DNA position 2689, A replaced by G.
Protein change: p.Ile897Val; replaces isoleucine 897 with valine.
Molecular consequence: missense variant.
Genome position (GRCh38, 1-based): chr19:49,200,343, A>G. VCF-style: chr19-49200343-A-G. GRCh37 (hg19) VCF-style: chr19-49703600-A-G.
Other names: c.2254A>G, p.Ile752Val (NM_001195227.2); c.2344A>G, p.Ile782Val (NM_001321281.2); c.1081A>G, p.Ile361Val (NM_001321282.2); c.2167A>G, p.Ile723Val (NM_001321283.2); c.1627A>G, p.Ile543Val (NM_001321285.2); short protein forms I782V, I723V, I897V, I361V, I752V, I543V.
Identifiers: ClinVar variation 1794760 (VCV001794760.7), dbSNP rs201172677, ClinGen allele CA9569620.
Genomic context (GRCh38, chr19:49,200,343, plus strand): 5'-ATCTCCCCACACCCCAGGCTGACCCCGGGTTTGTACCACCTGGGCCGCACTGTCCTCTGC[A>G]TCGACTTCATGGTTTTCACGGTGCGGCTGCTTCACATCTTCACGGTCAACAAACAGCTGG-3'
Protein context (NP_060106.2, residues 887-907): LYHLGRTVLC[Ile897Val]DFMVFTVRLL